The following is an entry in ClinVar:

NM_002253.4(KDR):c.1384T>G (p.Leu462Val)

Gene: KDR (kinase insert domain receptor; minus strand). Cytogenetic location: 4q12.
Variant type: single nucleotide variant.
Coding change: c.1384T>G on transcript NM_002253.4 (MANE Select); coding-DNA position 1384, T replaced by G.
Protein change: p.Leu462Val; replaces leucine 462 with valine.
Molecular consequence: missense variant.
Genome position (GRCh38, 1-based): chr4:55,107,765, A>C on the plus strand (T>G on the coding strand, the complement: KDR is on the minus strand). VCF-style: chr4-55107765-A-C. GRCh37 (hg19) VCF-style: chr4-55973932-A-C.
Other names: NC_000004.11:g.55973932A>C; short protein forms L462V.
Identifiers: ClinVar variation 134602 (VCV000134602.31), dbSNP rs56286620, ClinGen allele CA160309.

ClinVar aggregate classification (germline): Benign/Likely benign. Review status: criteria provided, multiple submitters, no conflicts (2 of 4 stars). 4 submissions from 4 submitters: Benign (1); Likely benign (1). 2 of the submissions do not count toward it. Last evaluated 2023-02-01.

Allele frequency attached by ClinVar (database versions not stated): 1000 Genomes Project 30x 0.00016; TOPMed 0.00124; ExAC 0.00135; gnomAD 0.00160 and 0.00175; 1000 Genomes Project 0.04553.

Submissions (5):

CeGaT Center for Human Genetics Tuebingen
Classification: Likely benign. Last evaluated: 2023-02-01. Review status: criteria provided, single submitter. Criteria: CeGaT Center For Human Genetics Tuebingen Variant Classification Criteria Version 2. Collection method: clinical testing. Allele origin: germline. Affected: yes. Observed: 1 variant allele.
Comment: KDR: BP4, BS1

Labcorp Genetics (formerly Invitae), Labcorp
Classification: Benign. Last evaluated: 2019-12-31. Review status: criteria provided, single submitter. Criteria: Invitae Variant Classification Sherloc (09022015). Collection method: clinical testing. Allele origin: germline.

ITMI
No classification provided. Condition: AllHighlyPenetrant. Last evaluated: 2013-09-19. Review status: no classification provided. Collection method: reference population. Allele origin: germline. Not counted in ClinVar's aggregate classification.
Comment: Please see associated publication for description of ethnicities

Department of Pathology and Laboratory Medicine, Sinai Health System
Classification: Uncertain significance. Review status: no assertion criteria provided. Collection method: clinical testing. Allele origin: unknown. Affected: yes. Study: The Canadian Open Genetics Repository (COGR). Not counted in ClinVar's aggregate classification.
Comment: The KDR p.Leu462Val variant was not identified in the literature nor was it identified in Cosmic or LOVD 3.0. The variant was identified in dbSNP (ID: rs56286620) and ClinVar (submitted by ITMI with no classification). The variant was identified in control databases in 420 of 282462 chromosomes (1 homozygous) at a frequency of 0.001487 increasing the likelihood this could be a low frequency benign variant (Genome Aggregation Database Feb 27, 2017). The variant was observed in the following populations: European (Finnish) in 151 of 25100 chromosomes (freq: 0.006016), European (non-Finnish) in 240 of 128880 chromosomes (freq: 0.001862), Other in 7 of 7206 chromosomes (freq: 0.000971), African in 15 of 24956 chromosomes (freq: 0.000601) and Latino in 7 of 35406 chromosomes (freq: 0.000198), but was not observed in the Ashkenazi Jewish, East Asian, and South Asian populations. The p.Leu462 residue is conserved in mammals and computational analyses (PolyPhen-2, SIFT, AlignGVGD, BLOSUM, MutationTaster) provide inconsistent predictions regarding the impact to the protein; this information is not very predictive of pathogenicity. The variant occurs outside of the splicing consensus sequence and 2 of 4 in silico or computational prediction software programs (SpliceSiteFinder, MaxEntScan, NNSPLICE, GeneSplicer) predict a greater than 10% difference in splicing. In summary, based on the above information the clinical significance of this variant cannot be determined with certainty at this time. This variant is classified as a variant of uncertain significance.

Dr. Peter K. Rogan Lab, Western University
No classification provided (evidence only). Condition: Clear cell carcinoma of kidney. Review status: no classification provided. Collection method: in vitro. Allele origin: not applicable. Functional consequence: retained intron. Not counted in ClinVar's aggregate classification.

Literature cited by the submitters: PubMed 24728327 (cited by ITMI).